The following is an entry in ClinVar:

NM_005861.4(STUB1):c.630C>G (p.Asp210Glu)

Genes: JMJD8 (jumonji domain containing 8; minus strand), STUB1 (STIP1 homology and U-box containing protein 1; plus strand). Cytogenetic location: 16p13.3.
Variant type: single nucleotide variant.
Coding change: c.630C>G on transcript NM_005861.4 (MANE Select); coding-DNA position 630, C replaced by G.
Protein change: p.Asp210Glu; replaces aspartic acid 210 with glutamic acid.
Molecular consequence: missense variant. On other transcripts: 3 prime UTR variant (5), non-coding transcript variant (3).
Genome position (GRCh38, 1-based): chr16:682,037, C>G. VCF-style: chr16-682037-C-G. GRCh37 (hg19) VCF-style: chr16-732037-C-G.
Other names: c.414C>G, p.Asp138Glu (NM_001293197.2); c.*757G>C (NM_001005920.4, NM_001323919.3, NM_001323920.3); c.*791G>C (NM_001323918.3, NM_001323922.3); short protein forms D138E, D210E.
Identifiers: ClinVar variation 4796646 (VCV004796646.1).

ClinVar aggregate classification (germline): Uncertain significance (1 of 4 stars; one submission).

Submission:

GeneDx
Classification: Uncertain significance. Last evaluated: 2025-08-21. Review status: criteria provided, single submitter. Criteria: GeneDx Variant Classification Process June 2021. Collection method: clinical testing. Allele origin: germline. Affected: yes.
Comment: Not observed at significant frequency in large population cohorts (gnomAD); In silico analysis suggests that this missense variant does not alter protein structure/function; Has not been previously published as pathogenic or benign to our knowledge; In silico analysis is inconclusive as to whether the variant alters gene splicing. In the absence of RNA/functional studies, the actual effect of this sequence change is unknown.